The following is an entry in ClinVar:

NM_001006658.3(CR2):c.624C>A (p.Pro208=)

Gene: CR2 (complement C3d receptor 2; plus strand). Cytogenetic location: 1q32.2.
Variant type: single nucleotide variant.
Coding change: c.624C>A on transcript NM_001006658.3 (MANE Select); coding-DNA position 624, C replaced by A.
Protein change: p.Pro208=; no amino-acid change (proline 208 retained).
Molecular consequence: synonymous variant.
Genome position (GRCh38, 1-based): chr1:207,468,705, C>A. VCF-style: chr1-207468705-C-A. GRCh37 (hg19) VCF-style: chr1-207642050-C-A.
Other names: c.624C>A, p.Pro208= (NM_001877.5).
Identifiers: ClinVar variation 473101 (VCV000473101.60), dbSNP rs61759494, ClinGen allele CA1368479.
Genomic context (GRCh38, chr1:207,468,705, plus strand): 5'-GCTTGTTGGAGAAAAGATCATTAACTGTTTGTCTTCGGGAAAATGGAGTGCTGTCCCCCC[C>A]ACATGTGAAGGTACCCTAAATTTACAATCTATTTTAAGAATCTGGGCTGTTCTGTTATTT-3'
Protein context (NP_001006659.1, residues 198-218): LSSGKWSAVP[Pro208=]TCEEARCKSL

ClinVar aggregate classification (germline): Benign/Likely benign. Review status: criteria provided, multiple submitters, no conflicts (2 of 4 stars). 10 submissions from 10 submitters: Benign (3); Likely benign (4). 3 of the submissions do not count toward it. Last evaluated 2026-01-29.

Conditions:
Immunodeficiency, common variable, 7. Identifiers: Orphanet 1572, Orphanet 696894, MedGen C3542922, MONDO:0013862, OMIM 614699.
CR2-related disorder. Also called: CR2-related disorders; CR2-related condition.

Allele frequency attached by ClinVar (database versions not stated): 1000 Genomes Project 30x 0.00109; 1000 Genomes Project 0.00140; TOPMed 0.00185.

Submissions (10):

Labcorp Genetics (formerly Invitae), Labcorp
Classification: Benign for Immunodeficiency, common variable, 7. Last evaluated: 2026-01-29. Review status: criteria provided, single submitter. Criteria: Invitae Variant Classification Sherloc (09022015). Collection method: clinical testing. Allele origin: germline.

Women's Health and Genetics/Laboratory Corporation of America, LabCorp
Classification: Benign. Last evaluated: 2026-01-23. Review status: criteria provided, single submitter. Criteria: LabCorp Variant Classification Summary - May 2015. Collection method: clinical testing. Allele origin: germline.

CeGaT Center for Human Genetics Tuebingen
Classification: Likely benign. Last evaluated: 2025-03-01. Review status: criteria provided, single submitter. Criteria: CeGaT Center For Human Genetics Tuebingen Variant Classification Criteria Version 2. Collection method: clinical testing. Allele origin: germline. Affected: yes. Observed: 5 variant alleles.
Comment: CR2: BP4, BP7

Blueprint Genetics
Classification: Likely benign. Last evaluated: 2024-11-25. Review status: criteria provided, single submitter. Criteria: ACMG Guidelines, 2015. Collection method: clinical testing. Allele origin: germline.

Genome-Nilou Lab
Classification: Likely benign for Immunodeficiency, common variable, 7. Last evaluated: 2023-04-11. Review status: criteria provided, single submitter. Criteria: ACMG Guidelines, 2015. Collection method: clinical testing. Allele origin: germline. Affected: no.

ARUP Laboratories, Molecular Genetics and Genomics, ARUP Laboratories
Classification: Benign. Last evaluated: 2020-05-09. Review status: criteria provided, single submitter. Criteria: ARUP Molecular Germline Variant Investigation Process. Collection method: clinical testing. Allele origin: germline.

Breakthrough Genomics
Classification: Likely benign. Review status: criteria provided, single submitter. Criteria: ACMG Guidelines, 2015. Collection method: not provided. Allele origin: germline. Inheritance: Autosomal recessive inheritance. Affected: yes.

PreventionGenetics, part of Exact Sciences
Classification: Benign for CR2-related condition. Last evaluated: 2019-10-02. Review status: no assertion criteria provided. Collection method: clinical testing. Allele origin: germline. Not counted in ClinVar's aggregate classification.
Comment: This variant is classified as benign based on ACMG/AMP sequence variant interpretation guidelines (Richards et al. 2015 PMID: 25741868, with internal and published modifications).

Clinical Genetics DNA and cytogenetics Diagnostics Lab, Erasmus MC, Erasmus Medical Center
Classification: Likely benign. Review status: no assertion criteria provided. Collection method: clinical testing. Allele origin: germline. Affected: yes. Study: VKGL Data-share Consensus. Not counted in ClinVar's aggregate classification.

Genome Diagnostics Laboratory, University Medical Center Utrecht
Classification: Likely benign. Review status: no assertion criteria provided. Collection method: clinical testing. Allele origin: germline. Affected: yes. Study: VKGL Data-share Consensus. Not counted in ClinVar's aggregate classification.